The following is an entry in ClinVar:

ClinVar aggregate classification (germline): Uncertain significance (1 of 4 stars; one submission).

Submission:

Labcorp Genetics (formerly Invitae), Labcorp
Classification: Uncertain significance. Last evaluated: 2021-10-21. Review status: criteria provided, single submitter. Criteria: Invitae Variant Classification Sherloc (09022015). Collection method: clinical testing. Allele origin: germline.
Comment: This sequence change replaces proline with arginine at codon 332 of the SMARCB1 protein (p.Pro332Arg). The proline residue is highly conserved and there is a moderate physicochemical difference between proline and arginine. This variant is not present in population databases (ExAC no frequency). This variant has not been reported in the literature in individuals affected with SMARCB1-related conditions. Algorithms developed to predict the effect of missense changes on protein structure and function (SIFT, PolyPhen-2, Align-GVGD) all suggest that this variant is likely to be disruptive. In summary, the available evidence is currently insufficient to determine the role of this variant in disease. Therefore, it has been classified as a Variant of Uncertain Significance.

NM_003073.5(SMARCB1):c.995C>G (p.Pro332Arg)

Gene: SMARCB1 (SWI/SNF related BAF chromatin remodeling complex subunit B1; plus strand). Cytogenetic location: 22q11.23.
Variant type: single nucleotide variant.
Coding change: c.995C>G on transcript NM_003073.5 (MANE Select); coding-DNA position 995, C replaced by G.
Protein change: p.Pro332Arg; replaces proline 332 with arginine.
Molecular consequence: missense variant.
Genome position (GRCh38, 1-based): chr22:23,833,580, C>G. VCF-style: chr22-23833580-C-G. GRCh37 (hg19) VCF-style: chr22-24175767-C-G.
Other names: c.968C>G, p.Pro323Arg (NM_001007468.3); c.1022C>G, p.Pro341Arg (NM_001317946.2); c.1049C>G, p.Pro350Arg (NM_001362877.2); short protein forms P323R, P332R, P350R, P341R.
Identifiers: ClinVar variation 1388307 (VCV001388307.6), dbSNP rs2146041698, ClinGen allele CA410912908.
Genomic context (GRCh38, chr22:23,833,580, plus strand): 5'-CTCCATCTATAGCTGGAAAAGTCATTCCTCTCACTGCCTCCCCTCCTCGTAGCGAGAACC[C>G]TCTGCCCACAGTGGAGATTGCCATCCGGAACACGGGCGATGCGGACCAGTGGTGCCCACT-3'
Protein context (NP_003064.2, residues 322-342): HQKTYAFSEN[Pro332Arg]LPTVEIAIRN